The following is an entry in ClinVar:

ClinVar aggregate classification (germline): Conflicting classifications of pathogenicity. Review status: criteria provided, conflicting classifications (1 of 4 stars). 4 submissions from 4 submitters: Uncertain significance (3); Likely benign (1). Last evaluated 2024-11-05.

Conditions:
Hereditary cancer-predisposing syndrome. Also called: Tumor predisposition; Hereditary Cancer Syndrome; Hereditary neoplastic syndrome; Neoplastic Syndromes, Hereditary. Identifiers: Orphanet 140162, MedGen C0027672, MeSH D009386, MONDO:0015356.
Hereditary breast ovarian cancer syndrome. Also called: Breast and ovarian cancer; Hereditary breast and/or ovarian cancer syndrome; BRCA1- and BRCA2-Associated Hereditary Breast and Ovarian Cancer; Hereditary breast and ovarian cancer syndrome; Hereditary breast and ovarian cancer syndrome (HBOC); Hereditary breast and ovarian cancer. Identifiers: Orphanet 145, MedGen C0677776, MeSH D061325, MONDO:0003582. Disease mechanism: loss of function.

Allele frequency attached by ClinVar (database versions not stated): gnomAD exomes below 0.00001.
gnomAD v4.1: 1 of 1,613,784 alleles (0.000062%); highest among the groups gnomAD compares: Non-Finnish European, 0.000085%; no homozygotes.

Submissions (5):

Color Diagnostics, LLC DBA Color Health
Classification: Uncertain significance for Hereditary cancer-predisposing syndrome. Last evaluated: 2024-11-05. Review status: criteria provided, single submitter. Criteria: ACMG Guidelines, 2015. Collection method: clinical testing. Allele origin: germline.
Comment: This missense variant replaces serine with threonine at codon 36 of the BRCA1 protein. Computational prediction is inconclusive regarding the impact of this variant on protein structure and function. Functional studies have reported that this variant is functionally normal in a haploid cell proliferation assay, in a ubiquitin ligase assay and BARD1 binding assays (PMID: 25823446, 30209399, 35659930). To our knowledge, this variant has not been reported in individuals affected with BRCA1-related disorders in the literature. This variant has not been identified in the general population by the Genome Aggregation Database (gnomAD). The available evidence is insufficient to determine the role of this variant in disease conclusively. Therefore, this variant is classified as a Variant of Uncertain Significance.

Labcorp Genetics (formerly Invitae), Labcorp
Classification: Uncertain significance for Hereditary breast ovarian cancer syndrome. Last evaluated: 2024-03-25. Review status: criteria provided, single submitter. Criteria: Invitae Variant Classification Sherloc (09022015). Collection method: clinical testing. Allele origin: germline.
Comment: This sequence change replaces serine, which is neutral and polar, with threonine, which is neutral and polar, at codon 36 of the BRCA1 protein (p.Ser36Thr). This variant is not present in population databases (gnomAD no frequency). This variant has not been reported in the literature in individuals affected with BRCA1-related conditions. ClinVar contains an entry for this variant (Variation ID: 489704). Advanced modeling performed at Invitae incorporating data from internal and/or published experimental studies (PMID: 30209399) indicates that this missense variant is not expected to disrupt BRCA1 function with a negative predictive value of 95%. Experimental studies have shown that this missense change does not substantially affect BRCA1 function (PMID: 25823446, 30209399). In summary, the available evidence is currently insufficient to determine the role of this variant in disease. Therefore, it has been classified as a Variant of Uncertain Significance.

Ambry Genetics
Classification: Likely benign for Hereditary cancer-predisposing syndrome. Last evaluated: 2023-02-23. Review status: criteria provided, single submitter. Criteria: Ambry Variant Classification Scheme 2023. Collection method: clinical testing. Allele origin: germline.

ARUP Laboratories, Molecular Genetics and Genomics, ARUP Laboratories
Classification: Uncertain significance. Last evaluated: 2022-01-14. Review status: criteria provided, single submitter. Criteria: ARUP Molecular Germline Variant Investigation Process 2021. Collection method: clinical testing. Allele origin: germline.
Comment: The BRCA1 c.106T>A; p.Ser36Thr variant (rs905812561), to our knowledge, is not reported in the medical literature associated with disease but is reported in ClinVar (Variation ID: 489704). This variant is absent from the Genome Aggregation Database, indicating it is not a common polymorphism. The serine at codon 36 is highly conserved, and computational analyses are uncertain whether this variant is neutral or deleterious (REVEL: 0.605). One in vitro functional study demonstrates no significant effect on homology-directed repair activity (Starita 2015). However, given the lack of clinical and functional data, the significance of the p.Ser36Thr variant is uncertain at this time. References: Starita LM et al. Massively Parallel Functional Analysis of BRCA1 RING Domain Variants. Genetics. 2015 Jun;200(2):413-22. PMID: 25823446.

Brotman Baty Institute, University of Washington
No classification provided (evidence only). Condition: Breast-ovarian cancer, familial 1. Review status: no classification provided. Collection method: in vitro. Allele origin: not applicable. Functional consequence: functionally_normal. Not counted in ClinVar's aggregate classification.
ClinVar note: "not provided" was previously submitted as the classification for the variant. However, the classification appeared to be based only on an observation of functional data so it was converted to no classification on 2025-07-30.

Literature cited by the submitters: PubMed 25823446 (cited by 3 submitters); PubMed 30209399 (cited by 3 submitters); PubMed 35659930 (cited by Color Diagnostics, LLC DBA Color Health); PubMed 30219179 (cited by Ambry Genetics).

NM_007294.4(BRCA1):c.106T>A (p.Ser36Thr)

Gene: BRCA1 (BRCA1 DNA repair associated; minus strand). Cytogenetic location: 17q21.31.
Variant type: single nucleotide variant.
Coding change: c.106T>A on transcript NM_007294.4 (MANE Select); coding-DNA position 106, T replaced by A.
Protein change: p.Ser36Thr; replaces serine 36 with threonine.
Molecular consequence: missense variant. On other transcripts: non-coding transcript variant (1), intron variant (1).
Genome position (GRCh38, 1-based): chr17:43,115,754, A>T on the plus strand (T>A on the coding strand, the complement: BRCA1 is on the minus strand). VCF-style: chr17-43115754-A-T. GRCh37 (hg19) VCF-style: chr17-41267771-A-T.
Other names: c.-83T>A (NM_001407571.1, NM_001408478.1, NM_001408479.1 and 52 more transcripts); c.106T>A, p.Ser36Thr (NM_001407581.1, NM_001407582.1, NM_001407583.1 and 192 more transcripts); c.-36T>A (NM_001408410.1, NM_001408452.1, NM_001408453.1 and 47 more transcripts); c.-152T>A (NM_001408455.1, NM_001408456.1, NM_001407694.1 and 13 more transcripts); c.-156T>A (NM_001408465.1, NM_001407695.1); c.-32T>A (NM_001407841.1); c.-199T>A (NM_001408492.1, NM_001407889.1, NM_001407900.1); c.-198T>A (NM_001408510.1, NM_001408512.1, NM_001407960.1 and 1 more transcripts); and 2 more; short protein forms S36T.
Identifiers: ClinVar variation 489704 (VCV000489704.22), dbSNP rs905812561, ClinGen allele CA10601943.